The following is an entry in ClinVar:

ClinVar aggregate classification (germline): Likely benign. Review status: criteria provided, multiple submitters, no conflicts (2 of 4 stars). 3 submissions from 3 submitters: Likely benign (2). 1 of the submissions does not count toward it. Last evaluated 2024-08-13.

Conditions:
ATP1A1-related disorder. Also called: ATP1A1-related condition.

Allele frequency attached by ClinVar (database versions not stated): TOPMed 0.00005; gnomAD 0.00006 and 0.00007; 1000 Genomes Project 0.00020; ESP Exome Variant Server 0.00031; 1000 Genomes Project 30x 0.00047.
gnomAD v4.1: 87 of 1,614,170 alleles (0.0054%); highest among the groups gnomAD compares: Middle Eastern, 0.082%; no homozygotes.

Submissions (3):

Labcorp Genetics (formerly Invitae), Labcorp
Classification: Likely benign. Last evaluated: 2024-08-13. Review status: criteria provided, single submitter. Criteria: Invitae Variant Classification Sherloc (09022015). Collection method: clinical testing. Allele origin: germline.

CeGaT Center for Human Genetics Tuebingen
Classification: Likely benign. Last evaluated: 2024-07-01. Review status: criteria provided, single submitter. Criteria: CeGaT Center For Human Genetics Tuebingen Variant Classification Criteria Version 2. Collection method: clinical testing. Allele origin: germline. Affected: yes. Observed: 3 variant alleles.
Comment: ATP1A1: BP4, BP7

PreventionGenetics, part of Exact Sciences
Classification: Likely benign for ATP1A1-related condition. Last evaluated: 2019-12-03. Review status: no assertion criteria provided. Collection method: clinical testing. Allele origin: germline. Not counted in ClinVar's aggregate classification.
Comment: This variant is classified as likely benign based on ACMG/AMP sequence variant interpretation guidelines (Richards et al. 2015 PMID: 25741868, with internal and published modifications).

NM_000701.8(ATP1A1):c.2829G>A (p.Ser943=)

Genes: ATP1A1 (ATPase Na+/K+ transporting subunit alpha 1; plus strand), ATP1A1-AS1 (ATP1A1 antisense RNA 1; minus strand). Cytogenetic location: 1p13.1.
Variant type: single nucleotide variant.
Coding change: c.2829G>A on transcript NM_000701.8 (MANE Select); coding-DNA position 2829, G replaced by A.
Protein change: p.Ser943=; no amino-acid change (serine 943 retained).
Molecular consequence: synonymous variant.
Genome position (GRCh38, 1-based): chr1:116,401,240, G>A. VCF-style: chr1-116401240-G-A. GRCh37 (hg19) VCF-style: chr1-116943862-G-A.
Other names: c.2829G>A, p.Ser943= (NM_001160233.2); c.2736G>A, p.Ser912= (NM_001160234.2); c.2829G>A (NM_000701.7).
Identifiers: ClinVar variation 1559413 (VCV001559413.32), dbSNP rs138167001, ClinGen allele CA1025643.